The following is an entry in ClinVar:

ClinVar aggregate classification (germline): Likely pathogenic (1 of 4 stars; one submission).

Conditions:
Inborn genetic diseases. Identifiers: MedGen C0950123, MeSH D030342.

Submission:

Ambry Genetics
Classification: Likely pathogenic for Inborn genetic diseases. Last evaluated: 2025-11-21. Review status: criteria provided, single submitter. Criteria: Ambry Variant Classification Scheme 2023. Collection method: clinical testing. Allele origin: germline.
Comment: The c.1588C>T (p.Q530*) alteration, located in exon 10 (coding exon 10) of the PGM1 gene, consists of a C to T substitution at nucleotide position 1588. This changes the amino acid from a glutamine (Q) to a stop codon at amino acid position 530. This variant is not expected to trigger nonsense-mediated mRNA decay and only impacts the last 6% of the protein. However, premature stop codons are typically deleterious in nature. This variant was not reported in population-based cohorts in the Genome Aggregation Database (gnomAD). This variant has been identified in the homozygous state and/or in conjunction with other PGM1 variant(s) in individual(s) with features consistent with PGM1-related congenital disorder of glycosylation (Wong, 2016; Preisler, 2017). Based on the available evidence, this alteration is classified as likely pathogenic.

Literature cited by the submitters: PubMed 27206562; PubMed 28882528.

NM_002633.3(PGM1):c.1588C>T (p.Gln530Ter)

Gene: PGM1 (phosphoglucomutase 1; plus strand). Cytogenetic location: 1p31.3.
Variant type: single nucleotide variant.
Coding change: c.1588C>T on transcript NM_002633.3 (MANE Select); coding-DNA position 1588, C replaced by T.
Protein change: p.Gln530Ter; replaces glutamine 530 with a stop codon.
Molecular consequence: nonsense.
Genome position (GRCh38, 1-based): chr1:63,654,455, C>T. VCF-style: chr1-63654455-C-T. GRCh37 (hg19) VCF-style: chr1-64120126-C-T.
Other names: c.1642C>T, p.Gln548Ter (NM_001172818.1); c.997C>T, p.Gln333Ter (NM_001172819.2); short protein forms Q530*, Q548*, Q333*.
Identifiers: ClinVar variation 4627346 (VCV004627346.1).